The following is an entry in ClinVar:

NM_001367549.1(ATP13A3):c.155A>C (p.Glu52Ala)

Gene: ATP13A3 (ATPase 13A3; minus strand). Cytogenetic location: 3q29.
Variant type: single nucleotide variant.
Coding change: c.155A>C on transcript NM_001367549.1 (MANE Select); coding-DNA position 155, A replaced by C.
Protein change: p.Glu52Ala; replaces glutamic acid 52 with alanine.
Molecular consequence: missense variant. On other transcripts: non-coding transcript variant (2).
Genome position (GRCh38, 1-based): chr3:194,460,728, T>G on the plus strand (A>C on the coding strand, the complement: ATP13A3 is on the minus strand). VCF-style: chr3-194460728-T-G. GRCh37 (hg19) VCF-style: chr3-194181457-T-G.
Other names: c.155A>C, p.Glu52Ala (NM_001374836.1, NM_024524.4); short protein forms E52A.
Identifiers: ClinVar variation 3619051 (VCV003619051.2).

ClinVar aggregate classification (germline): Uncertain significance (1 of 4 stars; one submission).

Submission:

Labcorp Genetics (formerly Invitae), Labcorp
Classification: Uncertain significance. Last evaluated: 2025-07-30. Review status: criteria provided, single submitter. Criteria: Invitae Variant Classification Sherloc (09022015). Collection method: clinical testing. Allele origin: germline.
Comment: This sequence change replaces glutamic acid, which is acidic and polar, with alanine, which is neutral and non-polar, at codon 52 of the ATP13A3 protein (p.Glu52Ala). This variant is not present in population databases (gnomAD no frequency). This variant has not been reported in the literature in individuals affected with ATP13A3-related conditions. ClinVar contains an entry for this variant (Variation ID: 3619051). Invitae Evidence Modeling of protein sequence and biophysical properties (such as structural, functional, and spatial information, amino acid conservation, physicochemical variation, residue mobility, and thermodynamic stability) indicates that this missense variant is not expected to disrupt ATP13A3 protein function with a negative predictive value of 80%. In summary, the available evidence is currently insufficient to determine the role of this variant in disease. Therefore, it has been classified as a Variant of Uncertain Significance.